The following is an entry in ClinVar:

NM_002691.4(POLD1):c.1498G>A (p.Gly500Arg)

Gene: POLD1 (DNA polymerase delta 1, catalytic subunit; plus strand). Cytogenetic location: 19q13.33.
Variant type: single nucleotide variant.
Coding change: c.1498G>A on transcript NM_002691.4 (MANE Select); coding-DNA position 1498, G replaced by A.
Protein change: p.Gly500Arg; replaces glycine 500 with arginine.
Molecular consequence: missense variant. On other transcripts: non-coding transcript variant (1).
Genome position (GRCh38, 1-based): chr19:50,406,986, G>A. VCF-style: chr19-50406986-G-A. GRCh37 (hg19) VCF-style: chr19-50910243-G-A.
Other names: c.1498G>A, p.Gly500Arg (NM_001256849.1, NM_001308632.1); short protein forms G500R.
Identifiers: ClinVar variation 1357336 (VCV001357336.8), dbSNP rs2122335658, ClinGen allele CA406980747.

ClinVar aggregate classification (germline): Uncertain significance (1 of 4 stars; one submission).

Conditions:
POLD1-related polyposis and colorectal cancer syndrome (CRCS10). Also called: Colorectal cancer, susceptibility to, 10; Colorectal cancer 10; COLORECTAL CANCER, SUSCEPTIBILITY TO, ON CHROMOSOME 19q. Identifiers: Orphanet 220460, MedGen C2675481, MONDO:0012953, OMIM 612591.

Submission:

Labcorp Genetics (formerly Invitae), Labcorp
Classification: Uncertain significance for POLD1-related polyposis and colorectal cancer syndrome. Last evaluated: 2020-12-18. Review status: criteria provided, single submitter. Criteria: Invitae Variant Classification Sherloc (09022015). Collection method: clinical testing. Allele origin: germline.
Comment: In summary, the available evidence is currently insufficient to determine the role of this variant in disease. Therefore, it has been classified as a Variant of Uncertain Significance. Algorithms developed to predict the effect of sequence changes on RNA splicing suggest that this variant may create or strengthen a splice site, but this prediction has not been confirmed by published transcriptional studies. Algorithms developed to predict the effect of missense changes on protein structure and function are either unavailable or do not agree on the potential impact of this missense change (SIFT: "Deleterious"; PolyPhen-2: "Probably Damaging"; Align-GVGD: "Class C15"). This variant has not been reported in the literature in individuals with POLD1-related conditions. This variant is not present in population databases (ExAC no frequency). This sequence change replaces glycine with arginine at codon 500 of the POLD1 protein (p.Gly500Arg). The glycine residue is highly conserved and there is a moderate physicochemical difference between glycine and arginine.